The following is an entry in ClinVar:

ClinVar aggregate classification (germline): Uncertain significance (1 of 4 stars; one submission).

Conditions:
Renal cell carcinoma. Identifiers: Orphanet 217071, MedGen C0007134, MeSH D002292, MONDO:0005086, HP:0005584.

Submission:

Labcorp Genetics (formerly Invitae), Labcorp
Classification: Uncertain significance for Renal cell carcinoma. Last evaluated: 2020-07-14. Review status: criteria provided, single submitter. Criteria: Invitae Variant Classification Sherloc (09022015). Collection method: clinical testing. Allele origin: germline.
Comment: This sequence change replaces valine with isoleucine at codon 875 of the MET protein (p.Val875Ile). The valine residue is moderately conserved and there is a small physicochemical difference between valine and isoleucine. This variant is not present in population databases (ExAC no frequency). This variant has not been reported in the literature in individuals with MET-related conditions. Algorithms developed to predict the effect of missense changes on protein structure and function output the following: SIFT: "Tolerated"; PolyPhen-2: "Benign"; Align-GVGD: "Class C0". The isoleucine amino acid residue is found in multiple mammalian species, suggesting that this missense change does not adversely affect protein function. These predictions have not been confirmed by published functional studies and their clinical significance is uncertain. In summary, the available evidence is currently insufficient to determine the role of this variant in disease. Therefore, it has been classified as a Variant of Uncertain Significance.

NM_000245.4(MET):c.2569G>A (p.Val857Ile)

Gene: MET (MET proto-oncogene, receptor tyrosine kinase; plus strand). Cytogenetic location: 7q31.2.
Variant type: single nucleotide variant.
Coding change: c.2569G>A on transcript NM_000245.4 (MANE Select); coding-DNA position 2569, G replaced by A.
Protein change: p.Val857Ile; replaces valine 857 with isoleucine.
Molecular consequence: missense variant.
Genome position (GRCh38, 1-based): chr7:116,763,254, G>A. VCF-style: chr7-116763254-G-A. GRCh37 (hg19) VCF-style: chr7-116403308-G-A.
Other names: c.2623G>A, p.Val875Ile (NM_001127500.3); c.2569G>A, p.Val857Ile (NM_001324401.3); c.1279G>A, p.Val427Ile (NM_001324402.2); short protein forms V427I, V857I, V875I.
Identifiers: ClinVar variation 1022871 (VCV001022871.8), dbSNP rs1794474122, ClinGen allele CA368983681.